The following is an entry in ClinVar:

ClinVar aggregate classification (germline): Uncertain significance. Review status: criteria provided, multiple submitters, no conflicts (2 of 4 stars). 4 submissions from 4 submitters: Uncertain significance (4). Last evaluated 2025-04-29.

Conditions:
Ciliary dyskinesia, primary, 40. Also called: CILIARY DYSKINESIA, PRIMARY, 40, WITH OR WITHOUT SITUS INVERSUS. Identifiers: MedGen C4749028, MONDO:0032664, OMIM 618300.

Allele frequency attached by ClinVar (database versions not stated): ExAC 0.00026; gnomAD exomes 0.00029 and 0.00042; gnomAD 0.00031; TOPMed 0.00037; 1000 Genomes Project 30x 0.00047; ESP Exome Variant Server 0.00054; 1000 Genomes Project 0.00060.
gnomAD v4.1: 662 of 1,613,862 alleles (0.041%); highest among the groups gnomAD compares: African/African-American, 0.055%; 1 homozygote.

Submissions (4):

Johns Hopkins Genomics, Johns Hopkins University
Classification: Uncertain significance for Ciliary dyskinesia, primary, 40. Last evaluated: 2025-04-29. Review status: criteria provided, single submitter. Criteria: ACMG Guidelines, 2015. Collection method: clinical testing. Allele origin: germline.
Comment: This DNAH9 missense variant (rs146873655) is rare (<0.1%) in a large population dataset (gnomADv4.1.0: 662/1613862 total alleles; 0.04102%; no homozygotes) and has been reported in ClinVar (Variation ID: 1372702). It has not been reported in the literature in individuals with primary ciliary dyskinesia 40, to our knowledge. Of three bioinformatics tools queried, two predict that the substitution would be damaging, while one predicts that it would be tolerated. The arginine residue at this position is evolutionarily conserved across all species assessed, except one which has histidine at this position. We consider the clinical significance of DNAH9 c.5654G>A to be uncertain at this time.

Blueprint Genetics
Classification: Uncertain significance. Last evaluated: 2024-10-26. Review status: criteria provided, single submitter. Criteria: ACMG Guidelines, 2015. Collection method: clinical testing. Allele origin: germline.

GeneDx
Classification: Uncertain significance. Last evaluated: 2023-09-12. Review status: criteria provided, single submitter. Criteria: GeneDx Variant Classification Process June 2021. Collection method: clinical testing. Allele origin: germline. Affected: yes.
Comment: In silico analysis supports that this missense variant has a deleterious effect on protein structure/function; Has not been previously published as pathogenic or benign to our knowledge

Labcorp Genetics (formerly Invitae), Labcorp
Classification: Uncertain significance. Last evaluated: 2022-09-01. Review status: criteria provided, single submitter. Criteria: Invitae Variant Classification Sherloc (09022015). Collection method: clinical testing. Allele origin: germline.
Comment: This sequence change replaces arginine, which is basic and polar, with histidine, which is basic and polar, at codon 1885 of the DNAH9 protein (p.Arg1885His). This variant is present in population databases (rs146873655, gnomAD 0.06%). This variant has not been reported in the literature in individuals affected with DNAH9-related conditions. ClinVar contains an entry for this variant (Variation ID: 1372702). Algorithms developed to predict the effect of missense changes on protein structure and function are either unavailable or do not agree on the potential impact of this missense change (SIFT: "Deleterious"; PolyPhen-2: "Probably Damaging"; Align-GVGD: "Class C0"). In summary, the available evidence is currently insufficient to determine the role of this variant in disease. Therefore, it has been classified as a Variant of Uncertain Significance.

Literature cited by the submitters: PubMed 35050399 (cited by Johns Hopkins Genomics, Johns Hopkins University).

NM_001372.4(DNAH9):c.5654G>A (p.Arg1885His)

Gene: DNAH9 (dynein axonemal heavy chain 9; plus strand). Cytogenetic location: 17p12.
Variant type: single nucleotide variant.
Coding change: c.5654G>A on transcript NM_001372.4 (MANE Select); coding-DNA position 5654, G replaced by A.
Protein change: p.Arg1885His; replaces arginine 1885 with histidine.
Molecular consequence: missense variant.
Genome position (GRCh38, 1-based): chr17:11,719,435, G>A. VCF-style: chr17-11719435-G-A. GRCh37 (hg19) VCF-style: chr17-11622752-G-A.
Other names: short protein forms R1885H.
Identifiers: ClinVar variation 1372702 (VCV001372702.10), dbSNP rs146873655, ClinGen allele CA8396062.